The following is an entry in ClinVar:

ClinVar aggregate classification (germline): Pathogenic (1 of 4 stars; one submission).

Conditions:
Hereditary breast ovarian cancer syndrome. Also called: Breast and ovarian cancer; BRCA1- and BRCA2-Associated Hereditary Breast and Ovarian Cancer; Hereditary breast and ovarian cancer; Hereditary breast and ovarian cancer syndrome (HBOC); Hereditary breast and ovarian cancer syndrome; Hereditary breast and/or ovarian cancer syndrome. Identifiers: Orphanet 145, MedGen C0677776, MeSH D061325, MONDO:0003582. Disease mechanism: loss of function.

Submission:

Labcorp Genetics (formerly Invitae), Labcorp
Classification: Pathogenic for Hereditary breast ovarian cancer syndrome. Last evaluated: 2022-08-08. Review status: criteria provided, single submitter. Criteria: Invitae Variant Classification Sherloc (09022015). Collection method: clinical testing. Allele origin: germline.
Comment: Retrotransposon insertions including LINE1 (L1), Alu, and SVA (SINE-VNTR-Alu) have been reported to be disease-causing through disruption of either a coding region or splice site (PMID: 19763152, 20307669, 22406018) and loss-of-function variants in BRCA1 are known to be pathogenic (PMID: 20104584). For these reasons, this variant has been classified as Pathogenic. This variant has not been reported in the literature in individuals affected with BRCA1-related conditions. This variant is not present in population databases (gnomAD no frequency). This sequence change inserts a large fragment of DNA, likely a transposable element, in exon 15 of the BRCA1 gene (c.4806_4807ins?), causing a frameshift at codon 1603 (p.Pro1603fs). The exact size and sequence of the insertion cannot be determined by the current assay. However, the insertion is expected to result in an absent or disrupted protein product.

Literature cited by the submitters: PubMed 19763152; PubMed 20307669; PubMed 22406018; PubMed 20104584.

NM_007294.4(BRCA1):c.4806_4807insTATTGCGGCATTATTCACAATAGCAAAGACTTGGAACCAACCCAAATGTCCAACAATGATAGACTGGATTAANNNNNNNNNNAAAAAAAAAAAAAAAAAAAAGAAAGTT (p.Pro1603delinsTyrCysGlyIleIleHisAsnSerLysAspLeuGluProThrGlnMetSerAsnAsnAspArgLeuAspTer)

Gene: BRCA1 (BRCA1 DNA repair associated; minus strand). Cytogenetic location: 17q21.31.
Variant type: Insertion.
Coding change: c.4806_4807insTATTGCGGCATTATTCACAATAGCAAAGACTTGGAACCAACCCAAATGTCCAACAATGATAGACTGGATTAANNNNNNNNNNAAAAAAAAAAAAAAAAAAAAGAAAGTT on transcript NM_007294.4 (MANE Select); coding-DNA positions 4806 to 4807, TATTGCGGCATTATTCACAATAGCAAAGACTTGGAACCAACCCAAATGTCCAACAATGATAGACTGGATTAANNNNNNNNNNAAAAAAAAAAAAAAAAAAAAGAAAGTT inserted.
Protein change: p.Pro1603delinsTyrCysGlyIleIleHisAsnSerLysAspLeuGluProThrGlnMetSerAsnAsnAspArgLeuAspTer.
Molecular consequence: nonsense. On other transcripts: frameshift variant (364), non-coding transcript variant (1).
Genome position: GRCh38: chr17:43,071,114-43,071,115. GRCh37 (hg19): chr17:41,223,131-41,223,132.
Other names: c.1364_1365insGAAAGTTTATTGCGGCATTATTCACAATAGCAAAGACTTGGAACCAACCCAAATGTCCAACAATGATAGACTGGATTAANNNNNNNNNNAAAAAAAAAAAAAAAAAAAA, p.Pro458Tyrfs (NM_001408436.1, NM_001408437.1, NM_001408438.1 and 10 more transcripts); c.4652_4653insGAAAGTTTATTGCGGCATTATTCACAATAGCAAAGACTTGGAACCAACCCAAATGTCCAACAATGATAGACTGGATTAANNNNNNNNNNAAAAAAAAAAAAAAAAAAAA, p.Pro1554Tyrfs (NM_001407843.1, NM_001407844.1, NM_001407845.1 and 12 more transcripts); c.4799_4800insGAAAGTTTATTGCGGCATTATTCACAATAGCAAAGACTTGGAACCAACCCAAATGTCCAACAATGATAGACTGGATTAANNNNNNNNNNAAAAAAAAAAAAAAAAAAAA, p.Pro1603Tyrfs (NM_001407854.1, NM_001407593.1, NM_001407594.1 and 8 more transcripts); c.4796_4797insGAAAGTTTATTGCGGCATTATTCACAATAGCAAAGACTTGGAACCAACCCAAATGTCCAACAATGATAGACTGGATTAANNNNNNNNNNAAAAAAAAAAAAAAAAAAAA, p.Pro1602Tyrfs (NM_001407858.1, NM_001407859.1, NM_001407860.1 and 17 more transcripts); c.4793_4794insGAAAGTTTATTGCGGCATTATTCACAATAGCAAAGACTTGGAACCAACCCAAATGTCCAACAATGATAGACTGGATTAANNNNNNNNNNAAAAAAAAAAAAAAAAAAAA, p.Pro1601Tyrfs (NM_001407861.1, NM_001407627.1, NM_001407628.1 and 14 more transcripts); c.4598_4599insGAAAGTTTATTGCGGCATTATTCACAATAGCAAAGACTTGGAACCAACCCAAATGTCCAACAATGATAGACTGGATTAANNNNNNNNNNAAAAAAAAAAAAAAAAAAAA, p.Pro1536Tyrfs (NM_001407862.1); c.4673_4674insGAAAGTTTATTGCGGCATTATTCACAATAGCAAAGACTTGGAACCAACCCAAATGTCCAACAATGATAGACTGGATTAANNNNNNNNNNAAAAAAAAAAAAAAAAAAAA, p.Pro1561Tyrfs (NM_001407863.1, NM_001407939.1, NM_001407940.1 and 11 more transcripts); c.4592_4593insGAAAGTTTATTGCGGCATTATTCACAATAGCAAAGACTTGGAACCAACCCAAATGTCCAACAATGATAGACTGGATTAANNNNNNNNNNAAAAAAAAAAAAAAAAAAAA, p.Pro1534Tyrfs (NM_001407874.1, NM_001407875.1); and 73 more.
Identifiers: ClinVar variation 2022810 (VCV002022810.4), dbSNP rs2550983705.